The following is an entry in ClinVar:

NM_001278512.2(AP3B2):c.2494G>A (p.Asp832Asn)

Genes: AP3B2 (adaptor related protein complex 3 subunit beta 2; minus strand), CPEB1-AS1 (CPEB1 antisense RNA 1; plus strand). Cytogenetic location: 15q25.2.
Variant type: single nucleotide variant.
Coding change: c.2494G>A on transcript NM_001278512.2 (MANE Select); coding-DNA position 2494, G replaced by A.
Protein change: p.Asp832Asn; replaces aspartic acid 832 with asparagine.
Molecular consequence: missense variant.
Genome position (GRCh38, 1-based): chr15:82,663,563, C>T on the plus strand (G>A on the coding strand, the complement: AP3B2 is on the minus strand). VCF-style: chr15-82663563-C-T. GRCh37 (hg19) VCF-style: chr15-83332315-C-T.
Other names: c.2341G>A, p.Asp781Asn (NM_001278511.2); c.2437G>A, p.Asp813Asn (NM_004644.5); short protein forms D781N, D813N, D832N.
Identifiers: ClinVar variation 1525737 (VCV001525737.8), dbSNP rs1042994550, ClinGen allele CA273480137.

ClinVar aggregate classification (germline): Uncertain significance (1 of 4 stars; one submission).

Allele frequency attached by ClinVar (database versions not stated): gnomAD exomes below 0.00001.
gnomAD v4.1: 1 of 1,613,780 alleles (0.000062%); highest among the groups gnomAD compares: East Asian, 0.0022%; no homozygotes.

Submission:

Labcorp Genetics (formerly Invitae), Labcorp
Classification: Uncertain significance. Last evaluated: 2023-07-10. Review status: criteria provided, single submitter. Criteria: Invitae Variant Classification Sherloc (09022015). Collection method: clinical testing. Allele origin: germline.
Comment: This sequence change replaces aspartic acid, which is acidic and polar, with asparagine, which is neutral and polar, at codon 813 of the AP3B2 protein (p.Asp813Asn). This variant is not present in population databases (gnomAD no frequency). This variant has not been reported in the literature in individuals affected with AP3B2-related conditions. ClinVar contains an entry for this variant (Variation ID: 1525737). An algorithm developed to predict the effect of missense changes on protein structure and function (PolyPhen-2) suggests that this variant is likely to be disruptive. In summary, the available evidence is currently insufficient to determine the role of this variant in disease. Therefore, it has been classified as a Variant of Uncertain Significance.